The following is an entry in ClinVar:

ClinVar aggregate classification (germline): Uncertain significance. Review status: criteria provided, multiple submitters, no conflicts (2 of 4 stars). 2 submissions from 2 submitters: Uncertain significance (2). Last evaluated 2025-08-30.

Conditions:
Malignant hyperthermia, susceptibility to, 1 (MHS1). Also called: Anesthesia related hyperthermia; Malignant hyperpyrexia; Fulminating hyperpyrexia; Pharmacogenic myopathy; Malignant hyperthermia suceptibility 1; RYR1-Related Malignant Hyperthermia Susceptibility. Identifiers: Orphanet 423, MedGen C2930980, MONDO:0007783, OMIM 145600.

Submissions (2):

Color Diagnostics, LLC DBA Color Health
Classification: Uncertain significance for Malignant hyperthermia, susceptibility to, 1. Last evaluated: 2025-08-30. Review status: criteria provided, single submitter. Criteria: ACMG Guidelines, 2015. Collection method: clinical testing. Allele origin: germline.
Comment: This missense variant replaces proline with serine at codon 4905 of the RYR1 protein. Computational prediction suggests that this variant may have deleterious impact on protein structure and function. To our knowledge, functional studies have not been reported for this variant. This variant has not been reported in individuals affected with RYR1-related disorders in the literature. This variant has not been identified in the general population by the Genome Aggregation Database (gnomAD). The available evidence is insufficient to determine the role of this variant in disease conclusively. Therefore, this variant is classified as a Variant of Uncertain Significance.

Revvity Omics, Revvity
Classification: Uncertain significance. Last evaluated: 2019-06-26. Review status: criteria provided, single submitter. Criteria: ACMG Guidelines, 2015. Collection method: clinical testing. Allele origin: germline.

NM_000540.3(RYR1):c.14713C>T (p.Pro4905Ser)

Gene: RYR1 (ryanodine receptor 1; plus strand). Cytogenetic location: 19q13.2.
Variant type: single nucleotide variant.
Coding change: c.14713C>T on transcript NM_000540.3 (MANE Select); coding-DNA position 14713, C replaced by T.
Protein change: p.Pro4905Ser; replaces proline 4905 with serine.
Molecular consequence: missense variant.
Genome position (GRCh38, 1-based): chr19:38,585,009, C>T. VCF-style: chr19-38585009-C-T. GRCh37 (hg19) VCF-style: chr19-39075649-C-T.
Other names: c.14698C>T, p.Pro4900Ser (NM_001042723.2); short protein forms P4900S, P4905S.
Identifiers: ClinVar variation 2435529 (VCV002435529.4), dbSNP rs1057518924, ClinGen allele CA405690476.